The following is an entry in ClinVar:

ClinVar aggregate classification (germline): Uncertain significance (1 of 4 stars; one submission).

Conditions:
CUBN-related disorder. Also called: CUBN-related condition.

Submission:

PreventionGenetics, part of Exact Sciences
Classification: Uncertain significance for CUBN-related condition. Last evaluated: 2026-05-05. Review status: criteria provided, single submitter. Criteria: ACMG Guidelines, 2015. Collection method: clinical testing. Allele origin: germline.
Comment: The CUBN c.4102G>C variant is predicted to result in the amino acid substitution p.Val1368Leu. To our knowledge, this variant has not been reported in the literature or in a large population database (gnomAD), indicating this variant is rare. At this time, the clinical significance of this variant is uncertain due to the absence of conclusive functional and genetic evidence.

NM_001081.4(CUBN):c.4102G>C (p.Val1368Leu)

Gene: CUBN (cubilin; minus strand). Cytogenetic location: 10p13.
Variant type: single nucleotide variant.
Coding change: c.4102G>C on transcript NM_001081.4 (MANE Select); coding-DNA position 4102, G replaced by C.
Protein change: p.Val1368Leu; replaces valine 1368 with leucine.
Molecular consequence: missense variant.
Genome position (GRCh38, 1-based): chr10:17,019,899, C>G on the plus strand (G>C on the coding strand, the complement: CUBN is on the minus strand). VCF-style: chr10-17019899-C-G. GRCh37 (hg19) VCF-style: chr10-17061898-C-G.
Other names: short protein forms V1368L.
Identifiers: ClinVar variation 4994212 (VCV004994212.1).
Genomic context (GRCh38, chr10:17,019,899, plus strand): 5'-CAAACCACTGCATCTGAAATCCTTTCTCACGGCGGCCAACCCCATCTGTAAGGAGCAGCA[C>G]TTGAAGCTTGGAGCTTGTAGTACTCCCTGGAGGGGGCAGGTCTACTCCACAGTAGCGTCC-3'
Protein context (NP_001072.2, residues 1358-1378): PGSTTSSKLQ[Val1368Leu]LLLTDGVGRR